The following is an entry in ClinVar:

NM_001099274.3(TINF2):c.-161G>A

Genes: TINF2 (TERF1 interacting nuclear factor 2; minus strand), LOC130055404 (ATAC-STARR-seq lymphoblastoid active region 8200; plus strand). Cytogenetic location: 14q12.
Variant type: single nucleotide variant.
Coding change: c.-161G>A on transcript NM_001099274.3 (MANE Select); 161 bases upstream of the start codon, G replaced by A.
Molecular consequence: 5 prime UTR variant.
Genome position (GRCh38, 1-based): chr14:24,242,493, C>T on the plus strand (G>A on the coding strand, the complement: TINF2 is on the minus strand). VCF-style: chr14-24242493-C-T. GRCh37 (hg19) VCF-style: chr14-24711699-C-T.
Other names: c.-161G>A (NM_001363668.2, NM_012461.3).
Identifiers: ClinVar variation 312961 (VCV000312961.5), dbSNP rs577503785, ClinGen allele CA10644033.

ClinVar aggregate classification (germline): Likely benign. Review status: criteria provided, single submitter (1 of 4 stars). 2 submissions from 1 submitter: Likely benign (2). Last evaluated 2017-04-27.

Conditions:
Dyskeratosis congenita, autosomal dominant 3. Identifiers: MedGen C3151445, MONDO:0013522, OMIM 613990.
Revesz syndrome. Also called: EXUDATIVE RETINOPATHY WITH BONE MARROW FAILURE; DYSKERATOSIS CONGENITA, AUTOSOMAL DOMINANT 5. Identifiers: Orphanet 3088, MedGen C1327916, MONDO:0009990, OMIM 268130.

Allele frequency attached by ClinVar (database versions not stated): 1000 Genomes Project 0.00020; 1000 Genomes Project 30x 0.00031; gnomAD 0.00135 and 0.00138; TOPMed 0.00148; gnomAD exomes 0.00222.
gnomAD v4.1: 3,007 of 1,433,788 alleles (0.21%); highest among the groups gnomAD compares: Non-Finnish European, 0.25%; 4 homozygotes.

Submissions (2):

Illumina Laboratory Services, Illumina
Classification: Likely benign for Dyskeratosis congenita, autosomal dominant 3. Last evaluated: 2017-04-27. Review status: criteria provided, single submitter. Criteria: ICSL Variant Classification Criteria 13 December 2019. Collection method: clinical testing. Allele origin: germline.
Comment: This variant was observed as part of a predisposition screen in an ostensibly healthy population. A literature search was performed for the gene, cDNA change, and amino acid change (where applicable). No publications were found based on this search. Allele frequency data from public databases allowed determination this variant is unlikely to cause disease. Therefore, this variant is classified as likely benign.

Illumina Laboratory Services, Illumina
Classification: Likely benign for Revesz syndrome. Last evaluated: 2017-04-27. Review status: criteria provided, single submitter. Criteria: ICSL Variant Classification Criteria 13 December 2019. Collection method: clinical testing. Allele origin: germline.
Comment: the same text as in the submission from Illumina Laboratory Services, Illumina above.